The following is an entry in ClinVar:

ClinVar aggregate classification (germline): Uncertain significance (1 of 4 stars; one submission).

Conditions:
Carnitine palmitoyltransferase II deficiency. Also called: Carnitine Palmitoyltransferase 2 Deficiency. Identifiers: Orphanet 157, MedGen C0342790, MONDO:0015515.

Allele frequency attached by ClinVar (database versions not stated): gnomAD exomes below 0.00001.
gnomAD v4.1: 3 of 1,527,568 alleles (0.0002%); highest among the groups gnomAD compares: East Asian, 0.0025%; no homozygotes.

Submission:

Labcorp Genetics (formerly Invitae), Labcorp
Classification: Uncertain significance for Carnitine palmitoyltransferase II deficiency. Last evaluated: 2021-08-26. Review status: criteria provided, single submitter. Criteria: Invitae Variant Classification Sherloc (09022015). Collection method: clinical testing. Allele origin: germline.
Comment: This sequence change replaces proline with serine at codon 14 of the CPT2 protein (p.Pro14Ser). The proline residue is weakly conserved and there is a moderate physicochemical difference between proline and serine. The frequency data for this variant in the population databases is considered unreliable, as metrics indicate insufficient coverage at this position in the ExAC database. This variant has not been reported in the literature in individuals affected with CPT2-related conditions. Advanced modeling of protein sequence and biophysical properties (such as structural, functional, and spatial information, amino acid conservation, physicochemical variation, residue mobility, and thermodynamic stability) performed at Invitae indicates that this missense variant is not expected to disrupt CPT2 protein function. In summary, the available evidence is currently insufficient to determine the role of this variant in disease. Therefore, it has been classified as a Variant of Uncertain Significance.

NM_000098.3(CPT2):c.40C>T (p.Pro14Ser)

Genes: CPT2 (carnitine palmitoyltransferase 2; plus strand), LOC129930561 (ATAC-STARR-seq lymphoblastoid silent region 902; plus strand). Cytogenetic location: 1p32.3.
Variant type: single nucleotide variant.
Coding change: c.40C>T on transcript NM_000098.3 (MANE Select); coding-DNA position 40, C replaced by T.
Protein change: p.Pro14Ser; replaces proline 14 with serine.
Molecular consequence: missense variant.
Genome position (GRCh38, 1-based): chr1:53,196,983, C>T. VCF-style: chr1-53196983-C-T. GRCh37 (hg19) VCF-style: chr1-53662655-C-T.
Other names: c.40C>T, p.Pro14Ser (NM_001330589.2); short protein forms P14S.
Identifiers: ClinVar variation 1501323 (VCV001501323.5), dbSNP rs2100254731, ClinGen allele CA340388620.